The following is an entry in ClinVar:

NM_001367624.2(ZNF469):c.10236C>T (p.Arg3412=)

Gene: ZNF469 (zinc finger protein 469; plus strand). Cytogenetic location: 16q24.2.
Variant type: single nucleotide variant.
Coding change: c.10236C>T on transcript NM_001367624.2 (MANE Select); coding-DNA position 10236, C replaced by T.
Protein change: p.Arg3412=; no amino-acid change (arginine 3412 retained).
Molecular consequence: synonymous variant.
Genome position (GRCh38, 1-based): chr16:88,437,706, C>T. VCF-style: chr16-88437706-C-T. GRCh37 (hg19) VCF-style: chr16-88504114-C-T.
Identifiers: ClinVar variation 1694805 (VCV001694805.34), dbSNP rs2142315439, ClinGen allele CA497358947.
Genomic context (GRCh38, chr16:88,437,706, plus strand): 5'-GCGGCCGGAGCTGCAGCACACGCCGCTGTATGCCTGCGAGCTCTGCGCCACGGTTATGCG[C>T]ATCATCAAGAAGTCCTTCGCCTGCAGCTCCTGCAACTACACCTTCGCCAAGAAGGAGCAG-3'
Protein context (NP_001354553.1, residues 3402-3422): YACELCATVM[Arg3412=]IIKKSFACSS

ClinVar aggregate classification (germline): Likely benign. Review status: criteria provided, multiple submitters, no conflicts (2 of 4 stars). 2 submissions from 2 submitters: Likely benign (2). Last evaluated 2025-12-17.

gnomAD v4.1: 1 of 1,549,850 alleles (0.000065%); no homozygotes.

Submissions (2):

Labcorp Genetics (formerly Invitae), Labcorp
Classification: Likely benign. Last evaluated: 2025-12-17. Review status: criteria provided, single submitter. Criteria: Invitae Variant Classification Sherloc (09022015). Collection method: clinical testing. Allele origin: germline.

CeGaT Center for Human Genetics Tuebingen
Classification: Likely benign. Last evaluated: 2022-05-01. Review status: criteria provided, single submitter. Criteria: CeGaT Center For Human Genetics Tuebingen Variant Classification Criteria Version 2. Collection method: clinical testing. Allele origin: germline. Affected: yes. Observed: 1 variant allele.
Comment: ZNF469: PM2:Supporting, BP4, BP7